The following is an entry in ClinVar:

ClinVar aggregate classification (germline): Uncertain significance. Review status: criteria provided, multiple submitters, no conflicts (2 of 4 stars). 2 submissions from 2 submitters: Uncertain significance (2). Last evaluated 2023-03-31.

Conditions:
Familial thoracic aortic aneurysm and aortic dissection (TAAD). Also called: Thoracic aortic aneurysms and dissections. Identifiers: Orphanet 91387, MedGen C4707243, MONDO:0019625.
Hereditary cancer-predisposing syndrome. Also called: Hereditary neoplastic syndrome; Tumor predisposition; Neoplastic Syndromes, Hereditary; Hereditary Cancer Syndrome. Identifiers: Orphanet 140162, MedGen C0027672, MeSH D009386, MONDO:0015356.
Juvenile polyposis syndrome (JPS). Identifiers: Orphanet 2929, MedGen C0345893, MONDO:0017380, OMIM 174900.

Submissions (2):

Labcorp Genetics (formerly Invitae), Labcorp
Classification: Uncertain significance for Juvenile polyposis syndrome. Last evaluated: 2023-03-31. Review status: criteria provided, single submitter. Criteria: Invitae Variant Classification Sherloc (09022015). Collection method: clinical testing. Allele origin: germline.
Comment: In summary, the available evidence is currently insufficient to determine the role of this variant in disease. Therefore, it has been classified as a Variant of Uncertain Significance. Advanced modeling of protein sequence and biophysical properties (such as structural, functional, and spatial information, amino acid conservation, physicochemical variation, residue mobility, and thermodynamic stability) has been performed at Invitae for this missense variant, however the output from this modeling did not meet the statistical confidence thresholds required to predict the impact of this variant on SMAD4 protein function. ClinVar contains an entry for this variant (Variation ID: 1476846). This variant has not been reported in the literature in individuals affected with SMAD4-related conditions. This variant is not present in population databases (gnomAD no frequency). This sequence change replaces lysine, which is basic and polar, with arginine, which is basic and polar, at codon 48 of the SMAD4 protein (p.Lys48Arg).

Ambry Genetics
Classification: Uncertain significance for Hereditary cancer-predisposing syndrome; Familial thoracic aortic aneurysm and aortic dissection. Last evaluated: 2022-09-09. Review status: criteria provided, single submitter. Criteria: Ambry Variant Classification Scheme 2023. Collection method: clinical testing. Allele origin: germline.
Comment: The p.K48R variant (also known as c.143A>G), located in coding exon 1 of the SMAD4 gene, results from an A to G substitution at nucleotide position 143. The lysine at codon 48 is replaced by arginine, an amino acid with highly similar properties. This amino acid position is highly conserved in available vertebrate species. In addition, the in silico prediction for this alteration is inconclusive. Since supporting evidence is limited at this time, the clinical significance of this alteration remains unclear.

NM_005359.6(SMAD4):c.143A>G (p.Lys48Arg)

Gene: SMAD4 (SMAD family member 4; plus strand). Cytogenetic location: 18q21.2.
Variant type: single nucleotide variant.
Coding change: c.143A>G on transcript NM_005359.6 (MANE Select); coding-DNA position 143, A replaced by G.
Protein change: p.Lys48Arg; replaces lysine 48 with arginine.
Molecular consequence: missense variant.
Genome position (GRCh38, 1-based): chr18:51,047,189, A>G. VCF-style: chr18-51047189-A-G. GRCh37 (hg19) VCF-style: chr18-48573559-A-G.
Other names: short protein forms K48R.
Identifiers: ClinVar variation 1476846 (VCV001476846.10), dbSNP rs2144401230, ClinGen allele CA402457827.